The following is an entry in ClinVar:

ClinVar aggregate classification (germline): Conflicting classifications of pathogenicity. Review status: criteria provided, conflicting classifications (1 of 4 stars). 12 submissions from 11 submitters: Uncertain significance (3); Likely benign (6). 3 of the submissions do not count toward it. Last evaluated 2026-01-25.

Conditions:
Glycogen storage disease IV, classic hepatic. Also called: GSD IV, CLASSIC HEPATIC. Identifiers: MedGen C1856301.
Glycogen storage disease, type IV (GSD4). Also called: Glycogen storage disease due to glycogen branching enzyme deficiency; AMYLOPECTINOSIS; ANDERSEN DISEASE; BRANCHER DEFICIENCY; CIRRHOSIS, FAMILIAL, WITH DEPOSITION OF ABNORMAL GLYCOGEN; GBE1 DEFICIENCY. Identifiers: Orphanet 367, MedGen C0017923, MONDO:0009292, OMIM 232500.
Adult polyglucosan body disease (APBN). Also called: GBE1-Adult Polyglucosan Body Disease; POLYGLUCOSAN BODY DISEASE, ADULT FORM. Identifiers: Orphanet 206583, MedGen C1849722, MONDO:0009897, OMIM 263570.

Allele frequency attached by ClinVar (database versions not stated): 1000 Genomes Project 30x 0.00094; 1000 Genomes Project 0.00100; TOPMed 0.00111; gnomAD exomes 0.00115 and 0.00181; ExAC 0.00124; gnomAD 0.00125 and 0.00126; ESP Exome Variant Server 0.00156.
gnomAD v4.1: 2,795 of 1,610,794 alleles (0.17%); highest among the groups gnomAD compares: Non-Finnish European, 0.22%; 1 homozygote.

Submissions (12):

Labcorp Genetics (formerly Invitae), Labcorp
Classification: Likely benign for Glycogen storage disease, type IV; Glycogen storage disease IV, classic hepatic. Last evaluated: 2026-01-25. Review status: criteria provided, single submitter. Criteria: Invitae Variant Classification Sherloc (09022015). Collection method: clinical testing. Allele origin: germline.

CeGaT Center for Human Genetics Tuebingen
Classification: Likely benign. Last evaluated: 2025-09-01. Review status: criteria provided, single submitter. Criteria: CeGaT Center For Human Genetics Tuebingen Variant Classification Criteria Version 2. Collection method: clinical testing. Allele origin: germline. Affected: yes. Observed: 8 variant alleles.
Comment: GBE1: BP4, BP7

Mayo Clinic Laboratories, Mayo Clinic
Classification: Likely benign. Last evaluated: 2025-06-11. Review status: criteria provided, single submitter. Criteria: ACMG Guidelines, 2015. Collection method: clinical testing. Allele origin: germline. Observed: 9 variant alleles.
Comment: BP4, BP7

Blueprint Genetics
Classification: Likely benign. Last evaluated: 2024-11-26. Review status: criteria provided, single submitter. Criteria: ACMG Guidelines, 2015. Collection method: clinical testing. Allele origin: germline.

Genome-Nilou Lab
Classification: Likely benign for Glycogen storage disease, type IV. Last evaluated: 2021-05-18. Review status: criteria provided, single submitter. Criteria: ACMG Guidelines, 2015. Collection method: clinical testing. Allele origin: germline. Affected: no.

Illumina Laboratory Services, Illumina
Classification: Uncertain significance for Adult polyglucosan body disease. Last evaluated: 2018-01-13. Review status: criteria provided, single submitter. Criteria: ICSL Variant Classification Criteria 13 December 2019. Collection method: clinical testing. Allele origin: germline.

Illumina Laboratory Services, Illumina
Classification: Uncertain significance for Glycogen storage disease, type IV. Last evaluated: 2018-01-13. Review status: criteria provided, single submitter. Criteria: ICSL Variant Classification Criteria 13 December 2019. Collection method: clinical testing. Allele origin: germline.

GeneDx
Classification: Likely benign. Last evaluated: 2017-11-27. Review status: criteria provided, single submitter. Criteria: GeneDx Variant Classification (06012015). Collection method: clinical testing. Allele origin: germline. Affected: yes.
Comment: This variant is considered likely benign or benign based on one or more of the following criteria: it is a conservative change, it occurs at a poorly conserved position in the protein, it is predicted to be benign by multiple in silico algorithms, and/or has population frequency not consistent with disease.

Genetic Services Laboratory, University of Chicago
Classification: Uncertain significance. Last evaluated: 2014-06-27. Review status: criteria provided, single submitter. Criteria: ACMG Guidelines, 2015. Collection method: clinical testing. Allele origin: germline.

Natera, Inc.
Classification: Likely benign for Glycogen storage disease type IV. Last evaluated: 2019-12-10. Review status: no assertion criteria provided. Collection method: clinical testing. Allele origin: germline. Not counted in ClinVar's aggregate classification.

Clinical Genetics DNA and cytogenetics Diagnostics Lab, Erasmus MC, Erasmus Medical Center
Classification: Likely benign. Review status: no assertion criteria provided. Collection method: clinical testing. Allele origin: germline. Affected: yes. Study: VKGL Data-share Consensus. Not counted in ClinVar's aggregate classification.

Clinical Genetics, Academic Medical Center
Classification: Likely benign. Review status: no assertion criteria provided. Collection method: clinical testing. Allele origin: germline. Affected: yes. Study: VKGL Data-share Consensus. Not counted in ClinVar's aggregate classification.

NM_000158.4(GBE1):c.1521T>C (p.Thr507=)

Gene: GBE1 (1,4-alpha-glucan branching enzyme 1; minus strand). Cytogenetic location: 3p12.2.
Variant type: single nucleotide variant.
Coding change: c.1521T>C on transcript NM_000158.4 (MANE Select); coding-DNA position 1521, T replaced by C.
Protein change: p.Thr507=; no amino-acid change (threonine 507 retained).
Molecular consequence: synonymous variant.
Genome position (GRCh38, 1-based): chr3:81,578,022, A>G on the plus strand (T>C on the coding strand, the complement: GBE1 is on the minus strand). VCF-style: chr3-81578022-A-G. GRCh37 (hg19) VCF-style: chr3-81627173-A-G.
Other names: p.Thr507=.
Identifiers: ClinVar variation 211070 (VCV000211070.52), dbSNP rs372821643, ClinGen allele CA207609.